The following is an entry in ClinVar:

ClinVar aggregate classification (germline): Benign. Review status: criteria provided, multiple submitters, no conflicts (2 of 4 stars). 9 submissions from 9 submitters: Benign (7). 2 of the submissions do not count toward it. Last evaluated 2026-02-01.

Conditions:
Cardiomyopathy (CMYO). Also called: Cardiomyopathies. Identifiers: Orphanet 167848, MedGen C0878544, MONDO:0004994, HP:0001638. Inheritance: Various modes of inheritance.
Hypertrophic cardiomyopathy 14. Identifiers: MedGen C2750467, MONDO:0013197, OMIM 613251.

Allele frequency attached by ClinVar (database versions not stated): gnomAD exomes 0.00315; ExAC 0.00360; TOPMed 0.01124; gnomAD 0.01291 and 0.01401.

Submissions (9):

Labcorp Genetics (formerly Invitae), Labcorp
Classification: Benign for Hypertrophic cardiomyopathy 14. Last evaluated: 2026-02-01. Review status: criteria provided, single submitter. Criteria: Invitae Variant Classification Sherloc (09022015). Collection method: clinical testing. Allele origin: germline.

ARUP Laboratories, Molecular Genetics and Genomics, ARUP Laboratories
Classification: Benign. Last evaluated: 2025-05-14. Review status: criteria provided, single submitter. Criteria: ARUP Molecular Germline Variant Investigation Process 2024. Collection method: clinical testing. Allele origin: germline.

CHEO Genetics Diagnostic Laboratory, Children's Hospital of Eastern Ontario
Classification: Benign for Cardiomyopathy. Last evaluated: 2020-11-13. Review status: criteria provided, single submitter. Criteria: ACMG Guidelines, 2015. Collection method: clinical testing. Allele origin: germline.

Women's Health and Genetics/Laboratory Corporation of America, LabCorp
Classification: Benign. Last evaluated: 2020-06-15. Review status: criteria provided, single submitter. Criteria: LabCorp Variant Classification Summary - May 2015. Collection method: clinical testing. Allele origin: germline.
Comment: Variant summary: MYH6 c.3979-7delT alters a non-conserved nucleotide located close to a canonical splice site and therefore could affect mRNA splicing, leading to a significantly altered protein sequence. 4/4 computational tools predict no significant impact on normal splicing. However, these predictions have yet to be confirmed by functional studies. The variant allele was found at a frequency of 0.0032 in 184810 control chromosomes, predominantly at a frequency of 0.08 within the African or African-American subpopulation in the gnomAD database, including 6 homozygotes. The observed variant frequency within African or African-American control individuals in the gnomAD database is approximately 3200 fold of the estimated maximal expected allele frequency for a pathogenic variant in MYH6 causing Cardiomyopathy phenotype (2.5e-05), strongly suggesting that the variant is a benign polymorphism found primarily in populations of African or African-American origin. To our knowledge, no occurrence of c.3979-7delT in individuals affected with Cardiomyopathy and no experimental evidence demonstrating its impact on protein function have been reported. Five clinical diagnostic laboratories have submitted clinical-significance assessments for this variant to ClinVar after 2014 without evidence for independent evaluation. All laboratories classified the variant as benign (n=4)/likely benign (n=1). Based on the evidence outlined above, the variant was classified as benign.

GeneDx
Classification: Benign. Last evaluated: 2016-12-30. Review status: criteria provided, single submitter. Criteria: GeneDx Variant Classification (06012015). Collection method: clinical testing. Allele origin: germline. Affected: yes.
Comment: This variant is considered likely benign or benign based on one or more of the following criteria: it is a conservative change, it occurs at a poorly conserved position in the protein, it is predicted to be benign by multiple in silico algorithms, and/or has population frequency not consistent with disease.

Laboratory for Molecular Medicine, Mass General Brigham Personalized Medicine
Classification: Benign. Last evaluated: 2015-04-01. Review status: criteria provided, single submitter. Criteria: LMM Criteria. Collection method: clinical testing. Allele origin: germline. Observed: 4 variant alleles.
Comment: c.3979-7delT in intron 28 of MYH6: This variant is not expected to have clinical significance because it has been identified in 8.5% (304/3564) of African chrom osomes, including 4 homozygotes, by the Exome Aggregation Consortium (ExAC; dbSNP rs397516766).

Eurofins Ntd Llc (ga)
Classification: Benign. Last evaluated: 2014-12-16. Review status: criteria provided, single submitter. Criteria: EGL Classification Definitions 2015. Collection method: clinical testing. Allele origin: germline. Observed: 1 variant allele, 1 heterozygote.

Clinical Genetics, Academic Medical Center
Classification: Benign. Review status: no assertion criteria provided. Collection method: clinical testing. Allele origin: germline. Affected: yes. Study: VKGL Data-share Consensus. Not counted in ClinVar's aggregate classification.

Joint Genome Diagnostic Labs from Nijmegen and Maastricht, Radboudumc and MUMC+
Classification: Benign. Review status: no assertion criteria provided. Collection method: clinical testing. Allele origin: germline. Affected: yes. Study: VKGL Data-share Consensus. Not counted in ClinVar's aggregate classification.

NM_002471.4(MYH6):c.3979-7del

Gene: MYH6 (myosin heavy chain 6; minus strand). Cytogenetic location: 14q11.2.
Variant type: Deletion.
Coding change: c.3979-7del on transcript NM_002471.4 (MANE Select); 7 bases into the intron before coding-DNA position 3979, one base deleted (T; older notation c.3979-7delT).
Molecular consequence: intron variant.
Genome position (GRCh38, 1-based): chr14:23,389,062, A deleted on the plus strand (T on the coding strand, the reverse complement: MYH6 is on the minus strand). VCF-style (leftmost placement, unchanged base first): chr14-23389061-GA-G. GRCh37 (hg19) VCF-style: chr14-23858270-GA-G.
Other names: c.3979-7delT (NM_002471.3).
Identifiers: ClinVar variation 44499 (VCV000044499.36), dbSNP rs397516766, ClinGen allele CA134369.